The following is an entry in ClinVar:

NM_170707.4(LMNA):c.210del (p.Ser71fs)

Gene: LMNA (lamin A/C; plus strand). Cytogenetic location: 1q22.
Variant type: Deletion.
Coding change: c.210del on transcript NM_170707.4 (MANE Select); coding-DNA position 210, one base deleted (C; older notation c.210delC).
Protein change: p.Ser71fs; shifts the reading frame from serine 71.
Molecular consequence: frameshift variant.
Genome position (GRCh38, 1-based): chr1:156,115,128, C deleted. VCF-style (leftmost placement, unchanged base first): chr1-156115127-TC-T. GRCh37 (hg19) VCF-style: chr1-156084918-TC-T.
Other names: c.210del, p.Ser71fs (NM_001282625.2, NM_001282626.2, NM_005572.4 and 1 more transcripts); short protein forms S71fs.
Identifiers: ClinVar variation 842353 (VCV000842353.7), dbSNP rs1649726768, ClinGen allele CA916079907.

ClinVar aggregate classification (germline): Pathogenic (1 of 4 stars; one submission).

Conditions:
Charcot-Marie-Tooth disease type 2. Also called: Charcot-Marie-Tooth type 2. Identifiers: Orphanet 64746, MedGen C0270914, MONDO:0018993.

Submission:

Labcorp Genetics (formerly Invitae), Labcorp
Classification: Pathogenic for Charcot-Marie-Tooth disease type 2. Last evaluated: 2019-06-05. Review status: criteria provided, single submitter. Criteria: Invitae Variant Classification Sherloc (09022015). Collection method: clinical testing. Allele origin: germline.
Comment: For these reasons, this variant has been classified as Pathogenic. Loss-of-function variants in LMNA are known to be pathogenic (PMID: 18585512, 18926329). This variant has not been reported in the literature in individuals with LMNA-related conditions. This variant is not present in population databases (ExAC no frequency). This sequence change creates a premature translational stop signal (p.Ser71Alafs*25) in the LMNA gene. It is expected to result in an absent or disrupted protein product.

Literature cited by the submitters: PubMed 18585512; PubMed 18926329.